The following is an entry in ClinVar:

ClinVar aggregate classification (germline): Uncertain significance (1 of 4 stars; one submission).

Conditions:
Neuronal ceroid lipofuscinosis. Also called: Neuronal Ceroid Lipofuscinoses. Identifiers: Orphanet 216, Orphanet 79263, MedGen C0027877, MONDO:0016295. Disease mechanism: loss of function.

Submission:

Labcorp Genetics (formerly Invitae), Labcorp
Classification: Uncertain significance for Neuronal ceroid lipofuscinosis. Last evaluated: 2022-03-24. Review status: criteria provided, single submitter. Criteria: Invitae Variant Classification Sherloc (09022015). Collection method: clinical testing. Allele origin: germline.
Comment: Advanced modeling of protein sequence and biophysical properties (such as structural, functional, and spatial information, amino acid conservation, physicochemical variation, residue mobility, and thermodynamic stability) performed at Invitae indicates that this missense variant is not expected to disrupt CLN8 protein function. This variant has not been reported in the literature in individuals affected with CLN8-related conditions. This variant is not present in population databases (gnomAD no frequency). This sequence change replaces valine, which is neutral and non-polar, with isoleucine, which is neutral and non-polar, at codon 121 of the CLN8 protein (p.Val121Ile). In summary, the available evidence is currently insufficient to determine the role of this variant in disease. Therefore, it has been classified as a Variant of Uncertain Significance.

NM_018941.4(CLN8):c.361G>A (p.Val121Ile)

Gene: CLN8 (CLN8 transmembrane ER and ERGIC protein; plus strand). Cytogenetic location: 8p23.3.
Variant type: single nucleotide variant.
Coding change: c.361G>A on transcript NM_018941.4 (MANE Select); coding-DNA position 361, G replaced by A.
Protein change: p.Val121Ile; replaces valine 121 with isoleucine.
Molecular consequence: missense variant.
Genome position (GRCh38, 1-based): chr8:1,771,415, G>A. VCF-style: chr8-1771415-G-A. GRCh37 (hg19) VCF-style: chr8-1719581-G-A.
Other names: short protein forms V121I.
Identifiers: ClinVar variation 1390794 (VCV001390794.5), dbSNP rs1223417396, ClinGen allele CA369953407.